The following is an entry in ClinVar:

NM_000053.4(ATP7B):c.2671G>A (p.Gly891Ser)

Gene: ATP7B (ATPase copper transporting beta; minus strand). Cytogenetic location: 13q14.3.
Variant type: single nucleotide variant.
Coding change: c.2671G>A on transcript NM_000053.4 (MANE Select); coding-DNA position 2671, G replaced by A.
Protein change: p.Gly891Ser; replaces glycine 891 with serine.
Molecular consequence: missense variant.
Genome position (GRCh38, 1-based): chr13:51,950,066, C>T on the plus strand (G>A on the coding strand, the complement: ATP7B is on the minus strand). VCF-style: chr13-51950066-C-T. GRCh37 (hg19) VCF-style: chr13-52524202-C-T.
Other names: c.2185G>A, p.Gly729Ser (NM_001005918.3, NM_001406541.1, NM_001406542.1 and 1 more transcripts); c.2338G>A, p.Gly780Ser (NM_001243182.2); c.2437G>A, p.Gly813Ser (NM_001330578.2, NM_001406534.1, NM_001406538.1 and 2 more transcripts); c.2419G>A, p.Gly807Ser (NM_001330579.2, NM_001406540.1, NM_001406531.1 and 1 more transcripts); c.2671G>A, p.Gly891Ser (NM_001406511.1, NM_001406512.1, NM_001406513.1 and 7 more transcripts); c.2638G>A, p.Gly880Ser (NM_001406514.1); c.2575G>A, p.Gly859Ser (NM_001406517.1, NM_001406518.1); c.2527G>A, p.Gly843Ser (NM_001406520.1, NM_001406521.1, NM_001406522.1 and 1 more transcripts); and 8 more; short protein forms G461S, G675S, G697S, G729S, G748S, G775S, G780S, G781S.
Identifiers: ClinVar variation 4757242 (VCV004757242.1).

ClinVar aggregate classification (germline): Uncertain significance (1 of 4 stars; one submission).

Conditions:
Wilson disease (WND). Also called: Wilson's disease. Identifiers: Orphanet 905, MedGen C0019202, MONDO:0010200, OMIM 277900. Disease mechanism: loss of function.

Submission:

Color Diagnostics, LLC DBA Color Health
Classification: Uncertain significance for Wilson disease. Last evaluated: 2025-06-09. Review status: criteria provided, single submitter. Criteria: ACMG Guidelines, 2015. Collection method: clinical testing. Allele origin: germline.
Comment: This missense variant replaces glycine with serine at codon 891 of the ATP7B protein. Computational prediction suggests that this variant may have deleterious impact on protein structure and function. To our knowledge, functional studies have not been reported for this variant. This variant has not been reported in individuals affected with ATP7B-related disorders in the literature. This variant has not been identified in the general population by the Genome Aggregation Database (gnomAD). The available evidence is insufficient to determine the role of this variant in disease conclusively. Therefore, this variant is classified as a Variant of Uncertain Significance.